The following is an entry in ClinVar:

NM_178862.3(STT3B):c.747A>G (p.Thr249=)

Gene: STT3B (STT3 oligosaccharyltransferase complex catalytic subunit B; plus strand). Cytogenetic location: 3p23.
Variant type: single nucleotide variant.
Coding change: c.747A>G on transcript NM_178862.3 (MANE Select); coding-DNA position 747, A replaced by G.
Protein change: p.Thr249=; no amino-acid change (threonine 249 retained).
Molecular consequence: synonymous variant.
Genome position (GRCh38, 1-based): chr3:31,596,833, A>G. VCF-style: chr3-31596833-A-G. GRCh37 (hg19) VCF-style: chr3-31638325-A-G.
Identifiers: ClinVar variation 384043 (VCV000384043.1), dbSNP rs374116624, ClinGen allele CA2295007.

ClinVar aggregate classification (germline): Likely benign (1 of 4 stars; one submission).

Allele frequency attached by ClinVar (database versions not stated): gnomAD exomes below 0.00001 and 0.00002; gnomAD 0.00001; ExAC 0.00002; TOPMed 0.00002; ESP Exome Variant Server 0.00008.
gnomAD v4.1: 24 of 1,612,868 alleles (0.0015%); highest among the groups gnomAD compares: Non-Finnish European, 0.002%; no homozygotes.

Submission:

GeneDx
Classification: Likely benign. Last evaluated: 2016-03-08. Review status: criteria provided, single submitter. Criteria: GeneDx Variant Classification (06012015). Collection method: clinical testing. Allele origin: germline. Affected: yes.
Comment: This variant is considered likely benign or benign based on one or more of the following criteria: it is a conservative change, it occurs at a poorly conserved position in the protein, it is predicted to be benign by multiple in silico algorithms, and/or has population frequency not consistent with disease.